The following is an entry in ClinVar:

NM_000051.4(ATM):c.7984G>A (p.Val2662Ile)

Genes: ATM (ATM serine/threonine kinase; plus strand), C11orf65 (chromosome 11 open reading frame 65; minus strand). Cytogenetic location: 11q22.3.
Variant type: single nucleotide variant.
Coding change: c.7984G>A on transcript NM_000051.4 (MANE Select); coding-DNA position 7984, G replaced by A.
Protein change: p.Val2662Ile; replaces valine 2662 with isoleucine.
Molecular consequence: missense variant. On other transcripts: intron variant (2).
Genome position (GRCh38, 1-based): chr11:108,333,942, G>A. VCF-style: chr11-108333942-G-A. GRCh37 (hg19) VCF-style: chr11-108204669-G-A.
Other names: c.7984G>A, p.Val2662Ile (NM_001351834.2); c.641-24871C>T (NM_001330368.2); c.*38+1278C>T (NM_001351110.2); short protein forms V2662I.
Identifiers: ClinVar variation 453713 (VCV000453713.23), dbSNP rs1315805984, ClinGen allele CA382561767.

ClinVar aggregate classification (germline): Conflicting classifications of pathogenicity. Review status: criteria provided, conflicting classifications (1 of 4 stars). 7 submissions from 7 submitters: Likely pathogenic (1); Uncertain significance (5). 1 of the submissions does not count toward it. Last evaluated 2026-03-19.

Conditions:
Hereditary cancer-predisposing syndrome. Also called: Neoplastic Syndromes, Hereditary; Hereditary Cancer Syndrome; Tumor predisposition; Hereditary neoplastic syndrome. Identifiers: Orphanet 140162, MedGen C0027672, MeSH D009386, MONDO:0015356.
Familial cancer of breast. Also called: Hereditary breast cancer; BREAST CANCER, FAMILIAL; hereditary breast carcinoma. Identifiers: Orphanet 227535, MedGen C0346153, MONDO:0016419, OMIM 114480. Disease mechanism: loss of function.
Ataxia-telangiectasia syndrome (AT). Also called: LOUIS-BAR SYNDROME; Cerebello-oculocutaneous telangiectasia; Immunodeficiency with ataxia telangiectasia; Ataxia-telangiectasia, complementation group D; AT, COMPLEMENTATION GROUP C; Ataxia-telangiectasia, complementation group E. Identifiers: Orphanet 100, MedGen C0004135, MONDO:0008840, OMIM 208900.

Allele frequency attached by ClinVar (database versions not stated): gnomAD 0.00001; gnomAD exomes below 0.00001; TOPMed 0.00001.
gnomAD v4.1: 3 of 1,611,132 alleles (0.00019%); highest among the groups gnomAD compares: African/African-American, 0.004%; no homozygotes.

Submissions (7):

Ambry Genetics
Classification: Uncertain significance for Hereditary cancer-predisposing syndrome. Last evaluated: 2026-03-19. Review status: criteria provided, single submitter. Criteria: Ambry Variant Classification Scheme 2023. Collection method: clinical testing. Allele origin: germline.
Comment: The p.V2662I variant (also known as c.7984G>A), located in coding exon 53 of the ATM gene, results from a G to A substitution at nucleotide position 7984. The valine at codon 2662 is replaced by isoleucine, an amino acid with highly similar properties. In an assay testing ATM function, this variant showed a functionally normal result (Lee KS et al. Cell, 2025 Sep;188:5081-5099.e27). This amino acid position is highly conserved in available vertebrate species. In addition, the in silico prediction for this alteration is inconclusive. Based on the available evidence, the clinical significance of this variant remains unclear.

Labcorp Genetics (formerly Invitae), Labcorp
Classification: Likely pathogenic for Ataxia-telangiectasia syndrome. Last evaluated: 2025-01-24. Review status: criteria provided, single submitter. Criteria: Invitae Variant Classification Sherloc (09022015). Collection method: clinical testing. Allele origin: germline.
Comment: This sequence change replaces valine, which is neutral and non-polar, with isoleucine, which is neutral and non-polar, at codon 2662 of the ATM protein (p.Val2662Ile). This variant is not present in population databases (gnomAD no frequency). This variant has not been reported in the literature in individuals affected with ATM-related conditions. ClinVar contains an entry for this variant (Variation ID: 453713). Invitae Evidence Modeling of protein sequence and biophysical properties (such as structural, functional, and spatial information, amino acid conservation, physicochemical variation, residue mobility, and thermodynamic stability) has been performed for this missense variant. However, the output from this modeling did not meet the statistical confidence thresholds required to predict the impact of this variant on ATM protein function. This variant disrupts the p.Val2662 amino acid residue in ATM. Other variant(s) that disrupt this residue have been determined to be pathogenic (PMID: 22071889, 23142947, 23322442). This suggests that this residue is clinically significant, and that variants that disrupt this residue are likely to be disease-causing. In summary, the currently available evidence indicates that the variant is pathogenic, but additional data are needed to prove that conclusively. Therefore, this variant has been classified as Likely Pathogenic.

Fulgent Genetics
Classification: Uncertain significance for Familial cancer of breast; Ataxia-telangiectasia syndrome. Last evaluated: 2024-06-18. Review status: criteria provided, single submitter. Criteria: ACMG Guidelines, 2015. Collection method: clinical testing. Allele origin: germline.

Sema4
Classification: Uncertain significance for Hereditary cancer-predisposing syndrome. Last evaluated: 2021-12-17. Review status: criteria provided, single submitter. Criteria: Sema4 Curation Guidelines. Collection method: curation. Allele origin: germline.
Comment: The ATM c.7984G>A (p.V2662I) variant has not been reported in the literature to our knowledge. It was not observed in the large and broad cohorts of the Genome Aggregation Database (PMID: 32461654). This variant has been reported in ClinVar (Variation ID 453713). Functional studies have not been performed, and in silico predictions of the variant's effect on protein function are inconclusive. A different amino acid change at this codon, p.V2662D, has been classified as pathogenic by our laboratory. The evidence is insufficient to meet ACMG/AMP criteria for classifying the variant as benign or pathogenic. Thus, the clinical significance of this variant is currently uncertain.

Color Diagnostics, LLC DBA Color Health
Classification: Uncertain significance for Hereditary cancer-predisposing syndrome. Last evaluated: 2019-09-26. Review status: criteria provided, single submitter. Criteria: ACMG Guidelines, 2015. Collection method: clinical testing. Allele origin: germline.
Comment: This missense variant replaces valine with isoleucine at codon 2662 of the ATM protein. Computational prediction tool suggests that this variant may not impact protein structure and function (internally defined REVEL score threshold ≤0.5, PMID: 27666373). Splice site prediction tools suggest that this variant may not impact RNA splicing. To our knowledge, functional studies have not been performed for this variant. This variant has not been reported in individuals affected with hereditary cancer in the literature. This variant has not been identified in the general population by the Genome Aggregation Database (gnomAD). The available evidence is insufficient to determine the role of this variant in disease conclusively. Therefore, this variant is classified as a Variant of Uncertain Significance.

GeneDx
Classification: Uncertain significance. Last evaluated: 2019-05-03. Review status: criteria provided, single submitter. Criteria: GeneDx Variant Classification Process June 2021. Collection method: clinical testing. Allele origin: germline. Affected: yes.
Comment: Not observed in large population cohorts (Lek et al., 2016); In silico analysis, which includes protein predictors and evolutionary conservation, supports that this variant does not alter protein structure/function; Has not been previously published as pathogenic or benign to our knowledge; This variant is associated with the following publications: (PMID: 23142947, 22071889, 23322442, 28492532)

Counsyl
Classification: Uncertain significance for Ataxia-telangiectasia syndrome. Last evaluated: 2018-04-17. Review status: no assertion criteria provided. Collection method: clinical testing. Allele origin: unknown. Not counted in ClinVar's aggregate classification.

Literature cited by the submitters: PubMed 40580951 (cited by Ambry Genetics); PubMed 22071889 (cited by Labcorp Genetics (formerly Invitae), Labcorp); PubMed 23142947 (cited by Labcorp Genetics (formerly Invitae), Labcorp); PubMed 23322442 (cited by Labcorp Genetics (formerly Invitae), Labcorp).